The following is an entry in ClinVar:

ClinVar aggregate classification (germline): Pathogenic/Likely pathogenic. Review status: criteria provided, multiple submitters, no conflicts (2 of 4 stars). 3 submissions from 3 submitters: Pathogenic (2); Likely pathogenic (1). Last evaluated 2026-06-22.

Conditions:
Filippi syndrome (FLPIS). Identifiers: Orphanet 3255, MedGen C0795940, MONDO:0010092, OMIM 272440.

Submissions (3):

Victorian Clinical Genetics Services, Murdoch Childrens Research Institute
Classification: Pathogenic for Filippi syndrome. Last evaluated: 2026-06-22. Review status: criteria provided, single submitter. Criteria: ACMG Guidelines, 2015. Collection method: clinical testing. Allele origin: germline. Affected: yes.
Comment: This variant is classified as Pathogenic. Evidence in support of pathogenic classification: Variant is predicted to cause nonsense-mediated decay (NMD) and loss of protein (premature termination codon is located at least 54 nucleotides upstream of the final exon-exon junction); Variant is absent from gnomAD (v2, v3 and v4). - This variant has limited previous evidence of pathogenicity in unrelated individual(s). This variant has been classified as likely pathogenic or pathogenic by clinical laboratories in ClinVar; Other NMD-predicted variant(s) comparable to the one identified in this case have very strong previous evidence for pathogenicity (DECIPHER, ClinVar). Additional information: This variant is homozygous; This gene is associated with autosomal recessive disease; No published evidence of segregation with disease has been identified for this variant; No published functional evidence has been identified for this variant; Loss of function is a known mechanism of disease in this gene and is associated with Filippi syndrome (MIM#272440).

Genetics and Molecular Pathology, SA Pathology
Classification: Pathogenic for Filippi syndrome. Last evaluated: 2021-04-06. Review status: criteria provided, single submitter. Criteria: ACMG Guidelines, 2015. Collection method: clinical testing. Allele origin: germline. Affected: yes.

Revvity Omics, Revvity
Classification: Likely pathogenic for Filippi syndrome. Last evaluated: 2020-03-25. Review status: criteria provided, single submitter. Criteria: ACMG Guidelines, 2015. Collection method: clinical testing. Allele origin: germline.

NM_152515.5(CKAP2L):c.501del (p.Asn167fs)

Gene: CKAP2L (cytoskeleton associated protein 2L; minus strand). Cytogenetic location: 2q14.1.
Variant type: Deletion.
Coding change: c.501del on transcript NM_152515.5 (MANE Select); coding-DNA position 501, one base deleted (T; older notation c.501delT).
Protein change: p.Asn167fs; shifts the reading frame from asparagine 167.
Molecular consequence: frameshift variant.
Genome position (GRCh38, 1-based): chr2:112,756,870, A deleted on the plus strand (T on the coding strand, the reverse complement: CKAP2L is on the minus strand). VCF-style (leftmost placement, unchanged base first): chr2-112756869-TA-T. GRCh37 (hg19) VCF-style: chr2-113514446-TA-T.
Other names: c.6del, p.Asn2fs (NM_001304361.2); c.501delT (NM_152515.5); short protein forms N167fs, N2fs.
Identifiers: ClinVar variation 1324082 (VCV001324082.10), dbSNP rs2104884982, ClinGen allele CA1139770940.